The following is an entry in ClinVar:

NM_000170.3(GLDC):c.926G>T (p.Gly309Val)

Gene: GLDC (glycine decarboxylase; minus strand). Cytogenetic location: 9p24.1.
Variant type: single nucleotide variant.
Coding change: c.926G>T on transcript NM_000170.3 (MANE Select); coding-DNA position 926, G replaced by T.
Protein change: p.Gly309Val; replaces glycine 309 with valine.
Molecular consequence: missense variant.
Genome position (GRCh38, 1-based): chr9:6,604,720, C>A on the plus strand (G>T on the coding strand, the complement: GLDC is on the minus strand). VCF-style: chr9-6604720-C-A. GRCh37 (hg19) VCF-style: chr9-6604720-C-A.
Other names: short protein forms G309V.
Identifiers: ClinVar variation 2082127 (VCV002082127.1), dbSNP rs750925978, ClinGen allele CA4980922.

ClinVar aggregate classification (germline): Uncertain significance (1 of 4 stars; one submission).

Conditions:
Glycine encephalopathy. Also called: Nonketotic hyperglycinemia; Non-ketotic hyperglycinemia. Identifiers: Orphanet 407, MedGen C0751748, MONDO:0011612, HP:0008288.

Allele frequency attached by ClinVar (database versions not stated): gnomAD exomes 0.00001; TOPMed 0.00001; ExAC 0.00002.
gnomAD v4.1: 18 of 1,614,144 alleles (0.0011%); highest among the groups gnomAD compares: East Asian, 0.031%; no homozygotes.

Submission:

Labcorp Genetics (formerly Invitae), Labcorp
Classification: Uncertain significance for Glycine encephalopathy. Last evaluated: 2021-08-31. Review status: criteria provided, single submitter. Criteria: Invitae Variant Classification Sherloc (09022015). Collection method: clinical testing. Allele origin: germline.
Comment: This sequence change replaces glycine with valine at codon 309 of the GLDC protein (p.Gly309Val). The glycine residue is highly conserved and there is a moderate physicochemical difference between glycine and valine. This variant is present in population databases (rs750925978, ExAC 0.02%). This variant has not been reported in the literature in individuals affected with GLDC-related conditions. Algorithms developed to predict the effect of missense changes on protein structure and function are either unavailable or do not agree on the potential impact of this missense change (SIFT: "Deleterious"; PolyPhen-2: "Probably Damaging"; Align-GVGD: "Class C0"). In summary, the available evidence is currently insufficient to determine the role of this variant in disease. Therefore, it has been classified as a Variant of Uncertain Significance.